The following is an entry in ClinVar:

NM_000090.4(COL3A1):c.3656A>G (p.Tyr1219Cys)

Gene: COL3A1 (collagen type III alpha 1 chain; plus strand). Cytogenetic location: 2q32.2.
Variant type: single nucleotide variant.
Coding change: c.3656A>G on transcript NM_000090.4 (MANE Select); coding-DNA position 3656, A replaced by G.
Protein change: p.Tyr1219Cys; replaces tyrosine 1219 with cysteine.
Molecular consequence: missense variant.
Genome position (GRCh38, 1-based): chr2:189,009,054, A>G. VCF-style: chr2-189009054-A-G. GRCh37 (hg19) VCF-style: chr2-189873780-A-G.
Other names: short protein forms Y1219C.
Identifiers: ClinVar variation 1997085 (VCV001997085.4), dbSNP rs2469166185, ClinGen allele CA349846912.

ClinVar aggregate classification (germline): Uncertain significance (1 of 4 stars; one submission).

Conditions:
Ehlers-Danlos syndrome, type 4 (EDSVASC). Also called: Ehlers-Danlos syndrome vascular type; Ehlers Danlos syndrome, ecchymotic type; Ehlers Danlos syndrome, arterial type; Ehlers Danlos syndrome, Sack-Barabas type; Ehlers-Danlos Syndrome Type IV. Identifiers: Orphanet 286, MedGen C0268338, MONDO:0017314, OMIM 130050.

Submission:

Labcorp Genetics (formerly Invitae), Labcorp
Classification: Uncertain significance for Ehlers-Danlos syndrome, type 4. Last evaluated: 2022-06-02. Review status: criteria provided, single submitter. Criteria: Invitae Variant Classification Sherloc (09022015). Collection method: clinical testing. Allele origin: germline.
Comment: This sequence change replaces tyrosine, which is neutral and polar, with cysteine, which is neutral and slightly polar, at codon 1219 of the COL3A1 protein (p.Tyr1219Cys). This variant is not present in population databases (gnomAD no frequency). This variant has not been reported in the literature in individuals affected with COL3A1-related conditions. Advanced modeling of protein sequence and biophysical properties (such as structural, functional, and spatial information, amino acid conservation, physicochemical variation, residue mobility, and thermodynamic stability) performed at Invitae indicates that this missense variant is not expected to disrupt COL3A1 protein function. In summary, the available evidence is currently insufficient to determine the role of this variant in disease. Therefore, it has been classified as a Variant of Uncertain Significance.